The following is an entry in ClinVar:

NM_002667.5(PLN):c.37AGA[1] (p.Arg14del)

Genes: CEP85L (centrosomal protein 85L; minus strand), PLN (phospholamban; plus strand). Cytogenetic location: 6q22.31.
Variant type: Microsatellite.
Coding change: c.37AGA[1] on transcript NM_002667.5 (MANE Select); one copy of the 3-base unit AGA starting at c.37; the reference has two copies in a row; one copy, 3 bases deleted; also written c.40_42del.
Protein change: p.Arg14del; deletes arginine 14.
Molecular consequence: inframe deletion. On other transcripts: inframe indel (3), intron variant (3).
Genome position (GRCh38, 1-based): chr6:118,558,961-118,558,963, AGA deleted; deleting any 3 consecutive bases within chr6:118,558,957-118,558,963 gives the same sequence; the position shown is the placement nearest the transcript's 3' end. VCF-style (leftmost placement, unchanged base first): chr6-118558956-TAAG-T. GRCh37 (hg19) VCF-style: chr6-118880119-TAAG-T.
Other names: c.40_42del (NM_002667.4, NM_002667.3, NM_002667.5); c.36_38del (NM_002667.4); c.40_42delAGA (NM_002667.3, NM_002667.5); c.36_38delAAG (NM_002667.5); c.37_39AGA[1], p.Arg14del (NM_002667.3); c.1029+6570_1029+6572del (NM_001178035.2); c.1020+6570_1020+6572del (NM_001042475.3, NM_206921.3); short protein forms R14del.
Identifiers: ClinVar variation 44580 (VCV000044580.57), dbSNP rs397516784, ClinGen allele CA261528.

ClinVar aggregate classification (germline): Pathogenic. Review status: criteria provided, multiple submitters, no conflicts (2 of 4 stars). 24 submissions from 24 submitters: Pathogenic (19). 5 of the submissions do not count toward it. Last evaluated 2026-01-27.

Conditions:
PLN-related disorders.
PLN-related cardiomyopathy.
Cardiovascular phenotype. Identifiers: MedGen CN230736.
Cardiomyopathy (CMYO). Also called: Cardiomyopathies. Identifiers: Orphanet 167848, MedGen C0878544, MONDO:0004994, HP:0001638. Inheritance: Various modes of inheritance.
Hypertrophic cardiomyopathy 18. Identifiers: MedGen C3151265, MONDO:0013475, OMIM 613874.
Dilated cardiomyopathy 1P (CMD1P). Identifiers: Orphanet 154, MedGen C1835928, MONDO:0012362, OMIM 609909.
SUDDEN INFANT DEATH SYNDROME (SIDS). Also called: Sudden Infant Death. Identifiers: MedGen C0038644, MeSH D013398, OMIM 272120.
Primary dilated cardiomyopathy (DCM). Also called: Dilated Cardiomyopathy. Identifiers: Orphanet 217604, MedGen C0007193, MeSH D002311, MONDO:0005021, HP:0001644. Inheritance: Various modes of inheritance.
Arrhythmogenic right ventricular dysplasia 9 (ARVD9). Also called: Arrhythmogenic Right Ventricular Dysplasia/Cardiomyopathy 9; ARRHYTHMOGENIC RIGHT VENTRICULAR DYSPLASIA, FAMILIAL, 9. Identifiers: MedGen C1836906, MONDO:0012180, OMIM 609040.

Submissions 1 to 9 of 24:

Labcorp Genetics (formerly Invitae), Labcorp
Classification: Pathogenic for Dilated cardiomyopathy 1P. Last evaluated: 2026-01-27. Review status: criteria provided, single submitter. Criteria: Invitae Variant Classification Sherloc (09022015). Collection method: clinical testing. Allele origin: germline.
Comment: This variant, c.40_42del, results in the deletion of 1 amino acid(s) of the PLN protein (p.Arg14del), but otherwise preserves the integrity of the reading frame. This variant is present in population databases (rs778096369, gnomAD 0.002%). This variant has been observed in individuals with arrythmogenic right ventricular dysplasia or dilated cardiomyopathy (PMID: 16432188, 22820313, 23568436). It is commonly reported in individuals of Dutch ancestry (PMID: 16432188). ClinVar contains an entry for this variant (Variation ID: 44580). Algorithms developed to predict the effect of variants on gene product structure and function are not available or were not evaluated for this variant. Experimental studies have shown that this variant affects PLN function (PMID: 16432188, 22155237, 22707725). For these reasons, this variant has been classified as Pathogenic.

Victorian Clinical Genetics Services, Murdoch Childrens Research Institute
Classification: Pathogenic for Dilated cardiomyopathy 1P. Last evaluated: 2025-10-22. Review status: criteria provided, single submitter. Criteria: ACMG Guidelines, 2015. Collection method: clinical testing. Allele origin: germline. Affected: yes.
Comment: This variant is classified as Pathogenic. Evidence in support of pathogenic classification: In-frame deletion in a non-repetitive region that has high conservation; Variant is present in gnomAD <0.001 for a dominant condition (v4: 10 heterozygote(s), 0 homozygote(s)); This variant has strong previous evidence of pathogenicity in unrelated individuals. This variant has been reported as a Dutch founder mutation and has been identified in at least 40 DCM patients and more than 10 ARVC patients (PMIDs: 22820313,, 16432188, 17010801, ClinVar); This variant has moderate evidence for segregation with disease. This variant has been shown to segregate with DCM and heart failure in a large family (PMID: 16432188); This variant has moderate functional evidence supporting abnormal protein function. Functional analysis has shown that this variant has a dominant negative effect and results in sarcoplasmic reticulum Ca2+-ATPase inhibition. Additionally, transgenic mice develop DCM, abnormal histopathology and suffer premature death (PMID: 16432188). Additional information: This variant is heterozygous; This gene is associated with autosomal dominant disease. Rare reports of biallelic individuals has also been reported (OMIM); Variant is located in the annotated phospholamban domain (DECIPHER). - Dominant negative is a known mechanism of disease for missense variants in this gene, and is associated with dilated cardiomyopathy 1P (MIM#609909), and hypertrophic cardiomyopathy 18 (MIM#613874) (PMID: 16432188). The mechanism of truncating variants is unclear; Variants in this gene are known to have variable expressivity. The p.(Arg14del) variant has been reported to cause DCM and ARVC (PMID: 22820313); Inheritance information for this variant is not currently available in this individual.

Dasa
Classification: Pathogenic. Last evaluated: 2025-10-06. Review status: criteria provided, single submitter. Criteria: DASA Assertion Criteria. Collection method: clinical testing. Allele origin: germline.
Comment: NM_002667.5(PLN):c.40_42del (p.Arg14del) is an in-frame deletion predicted to remove arginine at protein position 14 without shifting the reading frame. This variant has been recurrently observed in individuals with PLN-related disorders (PMID: 16432188; PMID: 23568436). Segregation data support an association with disease in the reported family/families (PMID: 16432188). Functional evidence supports an impact on the gene or gene product (PMID: 16432188; PMID: 22820313; PMID: 23568436; PMID: 22155237). Also, this variant is rare in population databases. Based on the currently available evidence, this variant is classified as pathogenic.

Ambry Genetics
Classification: Pathogenic for Cardiovascular phenotype. Last evaluated: 2025-04-22. Review status: criteria provided, single submitter. Criteria: Ambry Variant Classification Scheme 2023. Collection method: clinical testing. Allele origin: germline.
Comment: The c.40_42delAGA pathogenic mutation (also known as p.R14del) is located in coding exon 1 of the PLN gene. This pathogenic mutation results from an in-frame AGA deletion at nucleotide positions 40 to 42. This results in the in-frame deletion of an arginine at codon 14. This mutation has been identified in multiple individuals with arrhythmogenic right ventricular cardiomyopathy (ARVC) or dilated cardiomyopathy (DCM), and it has shown strong segregation with cardiomyopathy in a number of unrelated extended pedigrees (DeWitt M et al. J Am Coll Cardiol. 2006;48(7):1396-8; Haghighi K et al. Proc Natl Acad Sci. U.S.A. 2006;103(5):1388-93; Posch M et al. Heart Rhythm. 2009;6(4):480-6; van der Zwaag PA et al. Eur J Heart Fail. 2012;14(11):1199-207; Groeneweg J et al. Am J Cardiol. 2013;112(8):1197-206). Haploytpe analysis has indicated that this variant is a Dutch founder mutation (van der Zwaag PA et al. 2013. Neth Heart J. 2013;21(6):286-93). Functional assays have demonstrated that this alteration disrupts protein function and leads to dominant negative effects (Haghighi K et al. Proc Natl Acad Sci. U.S.A. 2006;103(5):1388-93; Haghighi K et al. J Mol Cell Cardiol. 2012;52(3):773-82; Ceholski D et al. J Biol Chem. 2012;287(32):26596-605; Ceholski DK et al. J Biol Chem. 2012;287(20):16521-9). In addition, a study has found that PLN gene editing can rescue the abnormalities observed in human cardiomyocytes derived from an affected individual heterozygous for this alteration (Karakikes I et al. Nat Commun. 2015;6:6955). Based on the supporting evidence, this alteration is interpreted as a disease-causing mutation.

Blueprint Genetics
Classification: Pathogenic for PLN-related disorders. Last evaluated: 2024-09-13. Review status: criteria provided, single submitter. Criteria: ACMG Guidelines, 2015. Collection method: clinical testing. Allele origin: germline. Affected: yes. Observed: 5 variant alleles.

North West Genomic Laboratory Hub, Manchester University NHS Foundation Trust
Classification: Pathogenic for Dilated cardiomyopathy 1P. Last evaluated: 2024-07-26. Review status: criteria provided, single submitter. Criteria: ACGS Best Practice Guidelines for Variant Classification in Rare Disease 2020. Collection method: clinical testing. Allele origin: germline. Affected: yes.
Comment: PM2 PM4_Supp PP1_Str PS3_Str

Clinical Genetics Laboratory, Skane University Hospital Lund
Classification: Pathogenic. Last evaluated: 2023-07-27. Review status: criteria provided, single submitter. Criteria: ACMG Guidelines, 2015. Collection method: clinical testing. Allele origin: germline. Affected: yes.

CHEO Genetics Diagnostic Laboratory, Children's Hospital of Eastern Ontario
Classification: Pathogenic for Cardiomyopathy. Last evaluated: 2023-04-27. Review status: criteria provided, single submitter. Criteria: ACMG Guidelines, 2015. Collection method: clinical testing. Allele origin: germline.

Clinical Genomics Laboratory, Stanford Medicine
Classification: Pathogenic for PLN-related cardiomyopathy. Last evaluated: 2023-02-20. Review status: criteria provided, single submitter. Criteria: ACMG Guidelines, 2015. Collection method: clinical testing. Allele origin: germline. Inheritance: Autosomal dominant inheritance. Affected: yes. Observed: 1 variant allele, 1 heterozygote.
Comment: The p.Arg14del variant in the PLN gene has been previously reported in greater than 50 individuals with dilated cardiomyopathy and arrhythmogenic right ventricular cardiomyopathy and segregated with disease in many families (PMID:16432188; PMID:22820313; PMID:23568436). This variant is recognized as a founder variant in the Dutch population (PMID:23568436). This variant has been identified in 2/128,892 European non-Finnish chromosomes (2/282,520 chromosomes overall) by the Genome Aggregation Database. Although this variant has been seen in the general population, its frequency is low enough to be consistent with the prevalence of cardiomyopathy. This variant is present in ClinVar (Accession: VCV000044580.48). This variant results in an in-frame deletion of a single amino acid. Multiple functional studies, including mouse models, have demonstrated that the p.Arg14del variant has a deleterious impact on protein function (PMID:22707725; PMID:22155237; PMID:27450564). These data were assessed using the ACMG/AMP variant interpretation guidelines. In summary, there is sufficient evidence to classify the p.Arg14del variant as pathogenic for autosomal dominant PLN-related cardiomyopathy based on the information above. [ACMG evidence codes used: PS3; PS4; PP1_Strong; PM2; PM4]